The following is an entry in ClinVar:

ClinVar aggregate classification (germline): Likely benign. Review status: criteria provided, multiple submitters, no conflicts (2 of 4 stars). 2 submissions from 2 submitters: Likely benign (2). Last evaluated 2024-11-11.

Conditions:
Developmental and epileptic encephalopathy, 8 (DEE8). Also called: HYPEREKPLEXIA AND EPILEPSY. Identifiers: Orphanet 163985, Orphanet 2076, MedGen C1845102, MONDO:0010375, OMIM 300607.

Submissions (2):

Labcorp Genetics (formerly Invitae), Labcorp
Classification: Likely benign for Developmental and epileptic encephalopathy, 8. Last evaluated: 2024-11-11. Review status: criteria provided, single submitter. Criteria: Invitae Variant Classification Sherloc (09022015). Collection method: clinical testing. Allele origin: germline.

GeneDx
Classification: Likely benign. Last evaluated: 2018-03-16. Review status: criteria provided, single submitter. Criteria: GeneDx Variant Classification (06012015). Collection method: clinical testing. Allele origin: germline. Affected: yes.
Comment: This variant is considered likely benign or benign based on one or more of the following criteria: it is a conservative change, it occurs at a poorly conserved position in the protein, it is predicted to be benign by multiple in silico algorithms, and/or has population frequency not consistent with disease.

NM_001353921.2(ARHGEF9):c.583-11dup

Gene: ARHGEF9 (Cdc42 guanine nucleotide exchange factor 9; minus strand). Cytogenetic location: Xq11.1.
Variant type: Duplication.
Coding change: c.583-11dup on transcript NM_001353921.2 (MANE Select); 11 bases into the intron before coding-DNA position 583, one base duplicated (T; older notation c.583-11dupT).
Molecular consequence: intron variant.
Genome position (GRCh38, 1-based): chrX:63,678,580, A duplicated on the plus strand (T on the coding strand, the reverse complement: ARHGEF9 is on the minus strand); the first of 4 consecutive A bases (chrX:63,678,580-63,678,583); duplicating any one gives the same sequence. VCF-style (leftmost placement, unchanged base first): chrX-63678579-G-GA. GRCh37 (hg19) VCF-style: chrX-62898459-G-GA.
Other names: c.403-11dup (NM_001173479.2); c.583-11dup (NM_001353922.2); c.499-11dup (NM_001369043.1, NM_001330495.2, NM_001369038.1 and 8 more transcripts); c.601-11dup (NM_001353923.1); c.382-11dup (NM_001369040.1, NM_001369039.1, NM_001353926.2 and 1 more transcripts); c.562-11dup (NM_001369031.1, NM_001369030.1, NM_001369032.1 and 2 more transcripts); c.148-11dup (NM_001369045.1); c.256-11dup (NM_001173480.2, NM_001369042.1); and 1 more.
Identifiers: ClinVar variation 533664 (VCV000533664.9), dbSNP rs782366734, ClinGen allele CA10431923.
Genomic context (GRCh38, chrX:63,678,579, plus strand): 5'-GCAAGCATCCAGGTGGTTGTTACAATACTCAGAGTATATCCAGAATCCATCTTGCTGTGG[G>GA]AAAAGAAAAAAAGGAAAGGAAAAGTCTACCAAGGACCCCAAAAGAAGTCTTGAAGTAATG-3'